The following is an entry in ClinVar:

NM_015450.3(POT1):c.1231G>A (p.Val411Ile)

Gene: POT1 (protection of telomeres 1; minus strand). Cytogenetic location: 7q31.33.
Variant type: single nucleotide variant.
Coding change: c.1231G>A on transcript NM_015450.3 (MANE Select); coding-DNA position 1231, G replaced by A.
Protein change: p.Val411Ile; replaces valine 411 with isoleucine.
Molecular consequence: missense variant. On other transcripts: non-coding transcript variant (3).
Genome position (GRCh38, 1-based): chr7:124,841,111, C>T on the plus strand (G>A on the coding strand, the complement: POT1 is on the minus strand). VCF-style: chr7-124841111-C-T. GRCh37 (hg19) VCF-style: chr7-124481165-C-T.
Other names: c.838G>A, p.Val280Ile (NM_001042594.2); short protein forms V411I, V280I.
Identifiers: ClinVar variation 846510 (VCV000846510.10), dbSNP rs1795018027, ClinGen allele CA369067516.

ClinVar aggregate classification (germline): Uncertain significance (1 of 4 stars; one submission).

Conditions:
Tumor predisposition syndrome 3 (TPDS3). Also called: Glioma susceptibility 9; LONG TELOMERE SYNDROME, POT1-RELATED; POT1 Tumor Predisposition; Melanoma, cutaneous malignant, susceptibility to, 10. Identifiers: Orphanet 618, MedGen C4014476, MONDO:0014368, OMIM 615848.

Submission:

Labcorp Genetics (formerly Invitae), Labcorp
Classification: Uncertain significance for Tumor predisposition syndrome 3. Last evaluated: 2019-01-15. Review status: criteria provided, single submitter. Criteria: Invitae Variant Classification Sherloc (09022015). Collection method: clinical testing. Allele origin: germline.
Comment: In summary, the available evidence is currently insufficient to determine the role of this variant in disease. Therefore, it has been classified as a Variant of Uncertain Significance. Algorithms developed to predict the effect of missense changes on protein structure and function output the following: SIFT: "Tolerated"; PolyPhen-2: "Benign"; Align-GVGD: "Class C0". The isoleucine amino acid residue is found in multiple mammalian species, suggesting that this missense change does not adversely affect protein function. These predictions have not been confirmed by published functional studies and their clinical significance is uncertain. This variant has not been reported in the literature in individuals with POT1-related conditions. This variant is not present in population databases (ExAC no frequency). This sequence change replaces valine with isoleucine at codon 411 of the POT1 protein (p.Val411Ile). The valine residue is weakly conserved and there is a small physicochemical difference between valine and isoleucine.